The following is an entry in ClinVar:

ClinVar aggregate classification (germline): Benign. Review status: criteria provided, multiple submitters, no conflicts (2 of 4 stars). 3 submissions from 3 submitters: Benign (2). 1 of the submissions does not count toward it. Last evaluated 2019-02-15.

Conditions:
KRT8-related disorder. Also called: KRT8-related condition.

Allele frequency attached by ClinVar (database versions not stated): 1000 Genomes Project 30x 0.31168; 1000 Genomes Project 0.31170; gnomAD exomes 0.33362 and 0.38465; ExAC 0.35807; gnomAD 0.36486 and 0.36968; TOPMed 0.36920.
gnomAD v4.1: 609,885 of 1,594,634 alleles (38%); highest among the groups gnomAD compares: Non-Finnish European, 41%; 118,606 homozygotes.

Submissions (3):

GeneDx
Classification: Benign. Last evaluated: 2019-02-15. Review status: criteria provided, single submitter. Criteria: GeneDx Variant Classification Process June 2021. Collection method: clinical testing. Allele origin: germline. Affected: yes.

Breakthrough Genomics
Classification: Benign. Review status: criteria provided, single submitter. Criteria: ACMG Guidelines, 2015. Collection method: not provided. Allele origin: germline. Inheritance: Unknown mechanism. Affected: yes.

PreventionGenetics, part of Exact Sciences
Classification: Benign for KRT8-related condition. Last evaluated: 2019-09-24. Review status: no assertion criteria provided. Collection method: clinical testing. Allele origin: germline. Not counted in ClinVar's aggregate classification.
Comment: This variant is classified as benign based on ACMG/AMP sequence variant interpretation guidelines (Richards et al. 2015 PMID: 25741868, with internal and published modifications).

NM_002273.4(KRT8):c.-4T>C

Gene: KRT8 (keratin 8; minus strand). Cytogenetic location: 12q13.13.
Variant type: single nucleotide variant.
Coding change: c.-4T>C on transcript NM_002273.4 (MANE Select); 4 bases upstream of the start codon, T replaced by C.
Molecular consequence: 5 prime UTR variant. On other transcripts: synonymous variant (1), non-coding transcript variant (1).
Genome position (GRCh38, 1-based): chr12:52,904,985, A>G on the plus strand (T>C on the coding strand, the complement: KRT8 is on the minus strand). VCF-style: chr12-52904985-A-G. GRCh37 (hg19) VCF-style: chr12-53298769-A-G.
Other names: c.81T>C, p.Ser27= (NM_001256282.2); c.-4T>C (NM_001256293.2); c.81T>C (NM_001256282.1).
Identifiers: ClinVar variation 1276175 (VCV001276175.4), dbSNP rs1065306, ClinGen allele CA6590646.
Genomic context (GRCh38, chr12:52,904,985, plus strand): 5'-GGCCCGGGGGCCAGAGGTGGACACCTTGTAGGACTTCTGGGTCACCCTGATGGACATGGT[A>G]GAGGCAGGAGTGGAGGCAGGCGGGCCGAACCAGGCGGAGATCCTAGAAGGAGCGGAGAAG-3'